The following is an entry in ClinVar:

ClinVar aggregate classification (germline): Uncertain significance. Review status: criteria provided, multiple submitters, no conflicts (2 of 4 stars). 2 submissions from 2 submitters: Uncertain significance (2). Last evaluated 2024-06-12.

Conditions:
Adams-Oliver syndrome 5 (AOS5). Identifiers: Orphanet 974, MedGen C4014970, MONDO:0014459, OMIM 616028.
Familial thoracic aortic aneurysm and aortic dissection (TAAD). Also called: Thoracic aortic aneurysms and dissections. Identifiers: Orphanet 91387, MedGen C4707243, MONDO:0019625.

Allele frequency attached by ClinVar (database versions not stated): ExAC 0.00002.
gnomAD v4.1: 3 of 753,002 alleles (0.0004%); highest among the groups gnomAD compares: East Asian, 0.028%; no homozygotes.

Submissions (2):

Ambry Genetics
Classification: Uncertain significance for Familial thoracic aortic aneurysm and aortic dissection. Last evaluated: 2024-06-12. Review status: criteria provided, single submitter. Criteria: Ambry Variant Classification Scheme 2023. Collection method: clinical testing. Allele origin: germline.
Comment: The c.2466A>G variant (also known as p.T822T), located in coding exon 15 of the NOTCH1 gene, results from an A to G substitution at nucleotide position 2466. This nucleotide substitution does not change the threonine at codon 822. This nucleotide position is not well conserved in available vertebrate species. In silico splice site analysis predicts that this alteration may result in the creation or strengthening of a novel splice donor site. Based on the available evidence, the clinical significance of this variant remains unclear.

Labcorp Genetics (formerly Invitae), Labcorp
Classification: Uncertain significance for Adams-Oliver syndrome 5. Last evaluated: 2023-11-19. Review status: criteria provided, single submitter. Criteria: Invitae Variant Classification Sherloc (09022015). Collection method: clinical testing. Allele origin: germline.
Comment: This sequence change affects codon 822 of the NOTCH1 mRNA. It is a 'silent' change, meaning that it does not change the encoded amino acid sequence of the NOTCH1 protein. It affects a nucleotide within the consensus splice site. This variant is present in population databases (rs755286299, gnomAD 0.03%). This variant has not been reported in the literature in individuals affected with NOTCH1-related conditions. ClinVar contains an entry for this variant (Variation ID: 2053165). Algorithms developed to predict the effect of sequence changes on RNA splicing suggest that this variant is not likely to affect RNA splicing. In summary, the available evidence is currently insufficient to determine the role of this variant in disease. Therefore, it has been classified as a Variant of Uncertain Significance.

NM_017617.5(NOTCH1):c.2466A>G (p.Thr822=)

Gene: NOTCH1 (notch receptor 1; minus strand). Cytogenetic location: 9q34.3.
Variant type: single nucleotide variant.
Coding change: c.2466A>G on transcript NM_017617.5 (MANE Select); coding-DNA position 2466, A replaced by G.
Protein change: p.Thr822=; no amino-acid change (threonine 822 retained).
Molecular consequence: synonymous variant.
Genome position (GRCh38, 1-based): chr9:136,513,022, T>C on the plus strand (A>G on the coding strand, the complement: NOTCH1 is on the minus strand). VCF-style: chr9-136513022-T-C. GRCh37 (hg19) VCF-style: chr9-139407474-T-C.
Other names: c.2466A>G (NM_017617.3).
Identifiers: ClinVar variation 2053165 (VCV002053165.5), dbSNP rs755286299, ClinGen allele CA5341351.